The following is an entry in ClinVar:

NM_001267550.2(TTN):c.90270T>G (p.Val30090=)

Genes: TTN-AS1 (TTN antisense RNA 1; plus strand), TTN (titin; minus strand). Cytogenetic location: 2q31.2.
Variant type: single nucleotide variant.
Coding change: c.90270T>G on transcript NM_001267550.2 (MANE Select); coding-DNA position 90270, T replaced by G.
Protein change: p.Val30090=; no amino-acid change (valine 30090 retained).
Molecular consequence: synonymous variant.
Genome position (GRCh38, 1-based): chr2:178,552,630, A>C on the plus strand (T>G on the coding strand, the complement: TTN is on the minus strand). VCF-style: chr2-178552630-A-C. GRCh37 (hg19) VCF-style: chr2-179417357-A-C.
Other names: c.85347T>G, p.Val28449= (NM_001256850.1); c.63075T>G, p.Val21025= (NM_003319.4); c.82566T>G, p.Val27522= (NM_133378.4); c.63450T>G, p.Val21150= (NM_133432.3); c.63651T>G, p.Val21217= (NM_133437.4).
Identifiers: ClinVar variation 2571104 (VCV002571104.27), dbSNP rs1699879455, ClinGen allele CA430245543.
Genomic context (GRCh38, chr2:178,552,630, plus strand): 5'-TCCTTTCTCATTTTTGGCAAACACTCTGAACTCCAGGACTGACTGCTCCTTAAGTTGGCT[A>C]ACCTCAATTTCACATGTCTTACTTATGCCAGCGTGGGACCACGTCTGTTCACCTTTACCT-3'
Protein context (NP_001254479.2, residues 30080-30100): AGISKTCEIE[Val30090=]SQLKEQSVLE

ClinVar aggregate classification (germline): Likely benign (1 of 4 stars; one submission).

Submission:

CeGaT Center for Human Genetics Tuebingen
Classification: Likely benign. Last evaluated: 2024-07-01. Review status: criteria provided, single submitter. Criteria: CeGaT Center For Human Genetics Tuebingen Variant Classification Criteria Version 2. Collection method: clinical testing. Allele origin: germline. Affected: yes. Observed: 4 variant alleles.
Comment: TTN: BP4, BP7